The following is an entry in ClinVar:

NM_002439.5(MSH3):c.1115C>T (p.Ser372Phe)

Gene: MSH3 (mutS homolog 3; plus strand). Cytogenetic location: 5q14.1.
Variant type: single nucleotide variant.
Coding change: c.1115C>T on transcript NM_002439.5 (MANE Select); coding-DNA position 1115, C replaced by T.
Protein change: p.Ser372Phe; replaces serine 372 with phenylalanine.
Molecular consequence: missense variant.
Genome position (GRCh38, 1-based): chr5:80,675,070, C>T. VCF-style: chr5-80675070-C-T. GRCh37 (hg19) VCF-style: chr5-79970889-C-T.
Other names: c.1115C>T (NM_002439.3); short protein forms S372F.
Identifiers: ClinVar variation 2187620 (VCV002187620.5), dbSNP rs2546724323, ClinGen allele CA360268146.
Genomic context (GRCh38, chr5:80,675,070, plus strand): 5'-ATGCTGTAAATGTTGATGAGATAATGACTGATACTTCTACCAGCTATCTTCTGTGCATCT[C>T]TGAAAATAAGGAAAATGTTAGGGACAAAAAAAAGGGCAACATTTTTATTGGCATTGTGGT-3'
Protein context (NP_002430.3, residues 362-382): DTSTSYLLCI[Ser372Phe]ENKENVRDKK

ClinVar aggregate classification (germline): Uncertain significance. Review status: criteria provided, multiple submitters, no conflicts (2 of 4 stars). 2 submissions from 2 submitters: Uncertain significance (2). Last evaluated 2023-11-08.

Conditions:
Hereditary cancer-predisposing syndrome. Also called: Hereditary Cancer Syndrome; Tumor predisposition; Hereditary neoplastic syndrome; Neoplastic Syndromes, Hereditary. Identifiers: Orphanet 140162, MedGen C0027672, MeSH D009386, MONDO:0015356.

Submissions (2):

Ambry Genetics
Classification: Uncertain significance for Hereditary cancer-predisposing syndrome. Last evaluated: 2023-11-08. Review status: criteria provided, single submitter. Criteria: Ambry Variant Classification Scheme 2023. Collection method: clinical testing. Allele origin: germline.
Comment: The p.S372F variant (also known as c.1115C>T), located in coding exon 7 of the MSH3 gene, results from a C to T substitution at nucleotide position 1115. The serine at codon 372 is replaced by phenylalanine, an amino acid with highly dissimilar properties. This amino acid position is conserved. In addition, this alteration is predicted to be tolerated by in silico analysis. Since supporting evidence is limited at this time, the clinical significance of this alteration remains unclear.

Labcorp Genetics (formerly Invitae), Labcorp
Classification: Uncertain significance. Last evaluated: 2023-04-15. Review status: criteria provided, single submitter. Criteria: Invitae Variant Classification Sherloc (09022015). Collection method: clinical testing. Allele origin: germline.
Comment: An algorithm developed to predict the effect of missense changes on protein structure and function (PolyPhen-2) suggests that this variant is likely to be tolerated. ClinVar contains an entry for this variant (Variation ID: 2187620). This variant has not been reported in the literature in individuals affected with MSH3-related conditions. This variant is not present in population databases (gnomAD no frequency). This sequence change replaces serine, which is neutral and polar, with phenylalanine, which is neutral and non-polar, at codon 372 of the MSH3 protein (p.Ser372Phe). In summary, the available evidence is currently insufficient to determine the role of this variant in disease. Therefore, it has been classified as a Variant of Uncertain Significance.